The following is an entry in ClinVar:

ClinVar aggregate classification (germline): Conflicting classifications of pathogenicity. Review status: criteria provided, conflicting classifications (1 of 4 stars). 4 submissions from 4 submitters: Uncertain significance (3); Likely benign (1). Last evaluated 2023-03-23.

Conditions:
Hereditary cancer-predisposing syndrome. Also called: Neoplastic Syndromes, Hereditary; Tumor predisposition; Hereditary Cancer Syndrome; Hereditary neoplastic syndrome. Identifiers: Orphanet 140162, MedGen C0027672, MeSH D009386, MONDO:0015356.
Hereditary breast ovarian cancer syndrome. Also called: Hereditary breast and ovarian cancer syndrome; Hereditary breast and ovarian cancer; Hereditary breast and ovarian cancer syndrome (HBOC); Breast and ovarian cancer; Hereditary breast and/or ovarian cancer syndrome; BRCA1- and BRCA2-Associated Hereditary Breast and Ovarian Cancer. Identifiers: Orphanet 145, MedGen C0677776, MeSH D061325, MONDO:0003582. Disease mechanism: loss of function.

Submissions (4):

University of Washington Department of Laboratory Medicine, University of Washington
Classification: Likely benign for Hereditary cancer-predisposing syndrome. Last evaluated: 2023-03-23. Review status: criteria provided, single submitter. Criteria: Dines et al. (Genet Med. 2020). Collection method: curation. Allele origin: germline.
Comment: Missense variant in a coldspot region where missense variants are very unlikely to be pathogenic (PMID:31911673).

BRCA2 exon 11 coldspot. Reclassification based on statistical prior probability.

Labcorp Genetics (formerly Invitae), Labcorp
Classification: Uncertain significance for Hereditary breast ovarian cancer syndrome. Last evaluated: 2023-03-09. Review status: criteria provided, single submitter. Criteria: Invitae Variant Classification Sherloc (09022015). Collection method: clinical testing. Allele origin: germline.
Comment: In summary, the available evidence is currently insufficient to determine the role of this variant in disease. Therefore, it has been classified as a Variant of Uncertain Significance. Advanced modeling of protein sequence and biophysical properties (such as structural, functional, and spatial information, amino acid conservation, physicochemical variation, residue mobility, and thermodynamic stability) performed at Invitae indicates that this missense variant is not expected to disrupt BRCA2 protein function. ClinVar contains an entry for this variant (Variation ID: 483090). This variant has not been reported in the literature in individuals affected with BRCA2-related conditions. This variant is not present in population databases (gnomAD no frequency). This sequence change replaces glutamic acid, which is acidic and polar, with glutamine, which is neutral and polar, at codon 2239 of the BRCA2 protein (p.Glu2239Gln).

Color Diagnostics, LLC DBA Color Health
Classification: Uncertain significance for Hereditary cancer-predisposing syndrome. Last evaluated: 2019-11-25. Review status: criteria provided, single submitter. Criteria: ACMG Guidelines, 2015. Collection method: clinical testing. Allele origin: germline.
Comment: This missense variant replaces glutamic acid with glutamine at codon 2239 of the BRCA2 protein. Computational prediction suggests that this variant may not impact protein structure and function (internally defined REVEL score threshold <= 0.5, PMID: 27666373). Splice site prediction tools suggest that this variant may not impact RNA splicing. To our knowledge, functional studies have not been performed for this variant. This variant has not been reported in individuals affected with hereditary cancer in the literature. This variant has not been identified in the general population by the Genome Aggregation Database (gnomAD). The available evidence is insufficient to determine the role of this variant in disease conclusively. Therefore, this variant is classified as a Variant of Uncertain Significance.

Ambry Genetics
Classification: Uncertain significance for Hereditary cancer-predisposing syndrome. Last evaluated: 2017-03-14. Review status: criteria provided, single submitter. Criteria: Ambry Variant Classification Scheme 2023. Collection method: clinical testing. Allele origin: germline.
Comment: The p.E2239Q variant (also known as c.6715G>C), located in coding exon 10 of the BRCA2 gene, results from a G to C substitution at nucleotide position 6715. The glutamic acid at codon 2239 is replaced by glutamine, an amino acid with highly similar properties. This amino acid position is well conserved in available vertebrate species. In addition, the in silico prediction for this alteration is inconclusive. Since supporting evidence is limited at this time, the clinical significance of this alteration remains unclear.

NM_000059.4(BRCA2):c.6715G>C (p.Glu2239Gln)

Gene: BRCA2 (BRCA2 DNA repair associated; plus strand). Cytogenetic location: 13q13.1.
Variant type: single nucleotide variant.
Coding change: c.6715G>C on transcript NM_000059.4 (MANE Select); coding-DNA position 6715, G replaced by C.
Protein change: p.Glu2239Gln; replaces glutamic acid 2239 with glutamine.
Molecular consequence: missense variant.
Genome position (GRCh38, 1-based): chr13:32,341,070, G>C. VCF-style: chr13-32341070-G-C. GRCh37 (hg19) VCF-style: chr13-32915207-G-C.
Other names: short protein forms E2239Q.
Identifiers: ClinVar variation 483090 (VCV000483090.13), dbSNP rs276174876, ClinGen allele CA387791014.